The following is an entry in ClinVar:

ClinVar aggregate classification (germline): Uncertain significance (1 of 4 stars; one submission).

Conditions:
Fetal akinesia deformation sequence 1 (FADS1). Also called: Fetal akinesia sequence; Pena-Shokeir syndrome type I. Identifiers: Orphanet 994, MedGen C1276035, MONDO:0100101, OMIM 208150, HP:0001989.
Congenital myasthenic syndrome 11. Also called: MYASTHENIC SYNDROME, CONGENITAL, Ie; Myasthenic syndrome, congenital, 11, associated with acetylcholine receptor deficiency. Identifiers: Orphanet 590, MedGen C4225367, MONDO:0014588, OMIM 616326.

Allele frequency attached by ClinVar (database versions not stated): gnomAD exomes below 0.00001.
gnomAD v4.1: 1 of 1,606,042 alleles (0.000062%); highest among the groups gnomAD compares: Non-Finnish European, 0.000085%; no homozygotes.

Submission:

Labcorp Genetics (formerly Invitae), Labcorp
Classification: Uncertain significance for Congenital myasthenic syndrome 11; Fetal akinesia deformation sequence 1. Last evaluated: 2020-02-17. Review status: criteria provided, single submitter. Criteria: Invitae Variant Classification Sherloc (09022015). Collection method: clinical testing. Allele origin: germline.
Comment: This sequence change affects codon 304 of the RAPSN mRNA. It is a 'silent' change, meaning that it does not change the encoded amino acid sequence of the RAPSN protein. This variant also falls at the last nucleotide of exon 5 of the RAPSN coding sequence, which is part of the consensus splice site for this exon. In summary, the available evidence is currently insufficient to determine the role of this variant in disease. Therefore, it has been classified as a Variant of Uncertain Significance. Nucleotide substitutions within the consensus splice site are a relatively common cause of aberrant splicing (PMID: 17576681, 9536098). Algorithms developed to predict the effect of sequence changes on RNA splicing suggest that this variant may disrupt the consensus splice site, but this prediction has not been confirmed by published transcriptional studies. This variant has not been reported in the literature in individuals with RAPSN-related conditions. This variant is not present in population databases (ExAC no frequency).

Literature cited by the submitters: PubMed 17576681; PubMed 9536098.

NM_005055.5(RAPSN):c.912G>A (p.Lys304=)

Gene: RAPSN (receptor associated protein of the synapse; minus strand). Cytogenetic location: 11p11.2.
Variant type: single nucleotide variant.
Coding change: c.912G>A on transcript NM_005055.5 (MANE Select); coding-DNA position 912, G replaced by A.
Protein change: p.Lys304=; no amino-acid change (lysine 304 retained).
Molecular consequence: synonymous variant. On other transcripts: intron variant (1).
Genome position (GRCh38, 1-based): chr11:47,441,611, C>T on the plus strand (G>A on the coding strand, the complement: RAPSN is on the minus strand). VCF-style: chr11-47441611-C-T. GRCh37 (hg19) VCF-style: chr11-47463163-C-T.
Other names: c.789+212G>A (NM_032645.5).
Identifiers: ClinVar variation 947954 (VCV000947954.8), dbSNP rs1273342588, ClinGen allele CA474217985.
Genomic context (GRCh38, chr11:47,441,611, plus strand): 5'-ACTGGCCCCAAGTGGGGAGTGCTGGGAGGGCTGGAGGCTGTGGGAAAGGCCCGACCTCAC[C>T]TTGTCCAGCGCCTTCCTGGCCACCCAGCACTTGGCCACACCCAGCAGCGCCTGCACCTGC-3'
Protein context (NP_005046.2, residues 294-314): KCWVARKALD[Lys304=]ALDAIERAQD